The following is an entry in ClinVar:

ClinVar aggregate classification (germline): Uncertain significance (1 of 4 stars; one submission).

Conditions:
Nephronophthisis. Also called: Juvenile Nephronophthisis. Identifiers: Orphanet 655, MedGen C0687120, MONDO:0019005, HP:0000090.
Meckel-Gruber syndrome. Also called: DYSENCEPHALIA SPLANCHNOCYSTICA; GRUBER SYNDROME; Dysencephalia splachnocystica. Identifiers: Orphanet 564, MedGen C0265215, MONDO:0018921.
Joubert syndrome. Also called: CEREBELLOPARENCHYMAL DISORDER IV; JOUBERT-BOLTSHAUSER SYNDROME; Familial aplasia of the vermis. Identifiers: Orphanet 475, MedGen C5979921, MONDO:0018772.

Submission:

Labcorp Genetics (formerly Invitae), Labcorp
Classification: Uncertain significance for Joubert syndrome; Meckel-Gruber syndrome; Nephronophthisis. Last evaluated: 2022-07-05. Review status: criteria provided, single submitter. Criteria: Invitae Variant Classification Sherloc (09022015). Collection method: clinical testing. Allele origin: germline.
Comment: This sequence change replaces histidine, which is basic and polar, with asparagine, which is neutral and polar, at codon 2326 of the CEP290 protein (p.His2326Asn). This variant is not present in population databases (gnomAD no frequency). This variant has not been reported in the literature in individuals affected with CEP290-related conditions. ClinVar contains an entry for this variant (Variation ID: 1498268). Algorithms developed to predict the effect of missense changes on protein structure and function output the following: SIFT: "Tolerated"; PolyPhen-2: "Benign"; Align-GVGD: "Class C0". The asparagine amino acid residue is found in multiple mammalian species, which suggests that this missense change does not adversely affect protein function. In summary, the available evidence is currently insufficient to determine the role of this variant in disease. Therefore, it has been classified as a Variant of Uncertain Significance.

NM_025114.4(CEP290):c.6976C>A (p.His2326Asn)

Gene: CEP290 (centrosomal protein 290; minus strand). Cytogenetic location: 12q21.32.
Variant type: single nucleotide variant.
Coding change: c.6976C>A on transcript NM_025114.4 (MANE Select); coding-DNA position 6976, C replaced by A.
Protein change: p.His2326Asn; replaces histidine 2326 with asparagine.
Molecular consequence: missense variant.
Genome position (GRCh38, 1-based): chr12:88,054,398, G>T on the plus strand (C>A on the coding strand, the complement: CEP290 is on the minus strand). VCF-style: chr12-88054398-G-T. GRCh37 (hg19) VCF-style: chr12-88448175-G-T.
Other names: short protein forms H2326N.
Identifiers: ClinVar variation 1498268 (VCV001498268.5), dbSNP rs2136637071, ClinGen allele CA385975706.
Genomic context (GRCh38, chr12:88,054,398, plus strand): 5'-ACCTAAGAACTTGAAGCTCCCGTTTAAGGCCTTGCTCTGTCTCAGCACCTTCAGGAACAT[G>T]TTTAAGAATCTTAATCTTTGAGGACAATGAAAAGTTAGAAGATAAGGTTTGCCATGGAAA-3'
Protein context (NP_079390.3, residues 2316-2336): DLEQQIKILK[His2326Asn]VPEGAETEQG